The following is an entry in ClinVar:

NM_024577.4(SH3TC2):c.2829T>G (p.Tyr943Ter)

Gene: SH3TC2 (SH3 domain and tetratricopeptide repeats 2; minus strand). Cytogenetic location: 5q32.
Variant type: single nucleotide variant.
Coding change: c.2829T>G on transcript NM_024577.4 (MANE Select); coding-DNA position 2829, T replaced by G.
Protein change: p.Tyr943Ter; replaces tyrosine 943 with a stop codon.
Molecular consequence: nonsense.
Genome position (GRCh38, 1-based): chr5:149,026,903, A>C on the plus strand (T>G on the coding strand, the complement: SH3TC2 is on the minus strand). VCF-style: chr5-149026903-A-C. GRCh37 (hg19) VCF-style: chr5-148406466-A-C.
Other names: short protein forms Y943*.
Identifiers: ClinVar variation 2481 (VCV000002481.57), dbSNP rs80338932, ClinGen allele CA339988.
Genomic context (GRCh38, chr5:149,026,903, plus strand): 5'-GCATGGGACATACTTACTCTTTAGATGTCGATGCCTTAAGCCAAACAGCAATGCCATTTC[A>C]TAACAAAGAAGGCCATGGGTCAGCTGGTGTCCAGACACCAGAACTTGGGCCAACCAGAGA-3'

ClinVar aggregate classification (germline): Pathogenic. Review status: criteria provided, multiple submitters, no conflicts (2 of 4 stars). 8 submissions from 8 submitters: Pathogenic (6). 2 of the submissions do not count toward it. Last evaluated 2026-09-22.

Conditions:
SH3TC2-related disorder. Also called: SH3TC2-related disorders; SH3TC2-related condition. Identifiers: MedGen CN239303.
Charcot-Marie-Tooth disease type 4. Also called: Charcot-Marie-Tooth disease, type IV; Charcot-Marie-Tooth, Type 4. Identifiers: Orphanet 64749, MedGen C4082197, MONDO:0018995.
Charcot-Marie-Tooth disease type 4C (CMT4C). Also called: CHARCOT-MARIE-TOOTH DISEASE, DEMYELINATING, TYPE 4C; Charcot-Marie-Tooth Neuropathy Type 4C (CMT4C); CHARCOT-MARIE-TOOTH DISEASE, DEMYELINATING, AUTOSOMAL RECESSIVE, TYPE 4C; CMT 4C; SH3TC2-Related Hereditary Motor and Sensory Neuropathy. Identifiers: Orphanet 99949, MedGen C1866636, MONDO:0011113, OMIM 601596.

Allele frequency attached by ClinVar (database versions not stated): gnomAD exomes below 0.00001 and 0.00001; ExAC 0.00001; gnomAD 0.00001; TOPMed 0.00002.
gnomAD v4.1: 6 of 1,614,102 alleles (0.00037%); highest among the groups gnomAD compares: Non-Finnish European, 0.00042%; no homozygotes.

Submissions (8):

PreventionGenetics, part of Exact Sciences
Classification: Pathogenic for SH3TC2-related condition. Last evaluated: 2026-09-22. Review status: criteria provided, single submitter. Criteria: ACMG Guidelines, 2015. Collection method: clinical testing. Allele origin: germline.
Comment: The SH3TC2 c.2829T>G variant is predicted to result in premature protein termination (p.Tyr943*). This variant was reported in the compound heterozygous state in an individual with Charcot-Marie-Tooth disease (Senderek et al. 2003. PubMed ID: 14574644). This variant is reported in 0.0018% of alleles in individuals of European (non-Finnish) descent in gnomAD. Nonsense variants in SH3TC2 are expected to be pathogenic. This variant is interpreted as pathogenic for autosomal recessive SH3TC2-related disorders.

Labcorp Genetics (formerly Invitae), Labcorp
Classification: Pathogenic for Charcot-Marie-Tooth disease type 4. Last evaluated: 2025-02-16. Review status: criteria provided, single submitter. Criteria: Invitae Variant Classification Sherloc (09022015). Collection method: clinical testing. Allele origin: germline.
Comment: This sequence change creates a premature translational stop signal (p.Tyr943*) in the SH3TC2 gene. It is expected to result in an absent or disrupted protein product. Loss-of-function variants in SH3TC2 are known to be pathogenic (PMID: 20220177, 27068304). This variant is present in population databases (rs80338932, gnomAD 0.0009%). This premature translational stop signal has been observed in individual(s) with autosomal recessive Charcot-Marie-Tooth disease (PMID: 14574644). In at least one individual the data is consistent with being in trans (on the opposite chromosome) from a pathogenic variant. It has also been observed to segregate with disease in related individuals. ClinVar contains an entry for this variant (Variation ID: 2481). Algorithms developed to predict the effect of sequence changes on RNA splicing suggest that this variant may create or strengthen a splice site. For these reasons, this variant has been classified as Pathogenic.

GeneDx
Classification: Pathogenic. Last evaluated: 2024-10-31. Review status: criteria provided, single submitter. Criteria: GeneDx Variant Classification Process June 2021. Collection method: clinical testing. Allele origin: germline. Affected: yes.
Comment: Nonsense variant predicted to result in protein truncation or nonsense mediated decay in a gene for which loss of function is a known mechanism of disease; Not observed at significant frequency in large population cohorts (gnomAD); This variant is associated with the following publications: (PMID: 25525159, 34193129, 14574644, 18511281)

Institute of Medical Genetics and Applied Genomics, University Hospital Tübingen
Classification: Pathogenic for Charcot-Marie-Tooth disease type 4C. Last evaluated: 2023-02-07. Review status: criteria provided, single submitter. Criteria: ACMG Guidelines, 2015. Collection method: clinical testing. Allele origin: germline. Inheritance: Autosomal recessive inheritance. Affected: yes.

Mendelics
Classification: Pathogenic for Charcot-Marie-Tooth disease type 4C. Last evaluated: 2022-05-04. Review status: criteria provided, single submitter. Criteria: Mendelics Assertion Criteria 2019. Collection method: clinical testing. Allele origin: germline.

CeGaT Center for Human Genetics Tuebingen
Classification: Pathogenic. Last evaluated: 2021-01-01. Review status: criteria provided, single submitter. Criteria: CeGaT Center For Human Genetics Tuebingen Variant Classification Criteria Version 2. Collection method: clinical testing. Allele origin: germline. Affected: yes. Observed: 1 variant allele.

OMIM
Classification: Pathogenic for CHARCOT-MARIE-TOOTH DISEASE, DEMYELINATING, TYPE 4C. Last evaluated: 2003-11-01. Review status: no assertion criteria provided. Collection method: literature only. Allele origin: germline. Not counted in ClinVar's aggregate classification.

GeneReviews
No classification provided. Condition: Charcot-Marie-Tooth disease type 4C. Review status: no classification provided. Collection method: literature only. Allele origin: unknown. Not counted in ClinVar's aggregate classification.

Literature cited by the submitters: PubMed 20220177 (cited by Labcorp Genetics (formerly Invitae), Labcorp); PubMed 27068304 (cited by Labcorp Genetics (formerly Invitae), Labcorp); PubMed 14574644 (cited by 3 submitters); PubMed 20301514 (cited by GeneReviews); NCBI Bookshelf NBK1340 (cited by GeneReviews).